The following is an entry in ClinVar:

ClinVar aggregate classification (germline): Uncertain significance (1 of 4 stars; one submission).

Conditions:
Norman-Roberts syndrome (LIS2). Also called: Lissencephaly 2 (Norman-Roberts type). Identifiers: Orphanet 89844, MedGen C0796089, MONDO:0009760, OMIM 257320.
Familial temporal lobe epilepsy 7. Identifiers: Orphanet 101046, MedGen C4225327, MONDO:0014639, OMIM 616436.

Submission:

Labcorp Genetics (formerly Invitae), Labcorp
Classification: Uncertain significance for Familial temporal lobe epilepsy 7; Norman-Roberts syndrome. Last evaluated: 2020-08-20. Review status: criteria provided, single submitter. Criteria: Invitae Variant Classification Sherloc (09022015). Collection method: clinical testing. Allele origin: germline.
Comment: This variant is not present in population databases (ExAC no frequency). In summary, the available evidence is currently insufficient to determine the role of this variant in disease. Therefore, it has been classified as a Variant of Uncertain Significance. Algorithms developed to predict the effect of missense changes on protein structure and function (SIFT, PolyPhen-2, Align-GVGD) all suggest that this variant is likely to be tolerated, but these predictions have not been confirmed by published functional studies and their clinical significance is uncertain. This variant has not been reported in the literature in individuals with RELN-related conditions. This sequence change replaces alanine with serine at codon 1989 of the RELN protein (p.Ala1989Ser). The alanine residue is moderately conserved and there is a moderate physicochemical difference between alanine and serine.

NM_005045.4(RELN):c.5965G>T (p.Ala1989Ser)

Gene: RELN (reelin; minus strand). Cytogenetic location: 7q22.1.
Variant type: single nucleotide variant.
Coding change: c.5965G>T on transcript NM_005045.4 (MANE Select); coding-DNA position 5965, G replaced by T.
Protein change: p.Ala1989Ser; replaces alanine 1989 with serine.
Molecular consequence: missense variant.
Genome position (GRCh38, 1-based): chr7:103,553,664, C>A on the plus strand (G>T on the coding strand, the complement: RELN is on the minus strand). VCF-style: chr7-103553664-C-A. GRCh37 (hg19) VCF-style: chr7-103194111-C-A.
Other names: c.5965G>T, p.Ala1989Ser (NM_173054.3); short protein forms A1989S.
Identifiers: ClinVar variation 1010534 (VCV001010534.8), dbSNP rs1233107226, ClinGen allele CA368739589.